The following is an entry in ClinVar:

ClinVar aggregate classification (germline): Likely benign. Review status: criteria provided, multiple submitters, no conflicts (2 of 4 stars). 3 submissions from 3 submitters: Likely benign (3). Last evaluated 2025-07-24.

Conditions:
ANLN-related disorder. Also called: ANLN-related condition.

Allele frequency attached by ClinVar (database versions not stated): gnomAD exomes 0.00002; ExAC 0.00003; gnomAD 0.00014 and 0.00016; TOPMed 0.00023.
gnomAD v4.1: 34 of 1,571,474 alleles (0.0022%); highest among the groups gnomAD compares: African/African-American, 0.044%; no homozygotes.

Submissions (3):

Mayo Clinic Laboratories, Mayo Clinic
Classification: Likely benign. Last evaluated: 2025-07-24. Review status: criteria provided, single submitter. Criteria: ACMG Guidelines, 2015. Collection method: clinical testing. Allele origin: germline. Observed: 2 variant alleles.
Comment: BP4, BP7

PreventionGenetics, part of Exact Sciences
Classification: Likely benign for ANLN-related condition. Last evaluated: 2025-06-16. Review status: criteria provided, single submitter. Criteria: ACMG Guidelines, 2015. Collection method: clinical testing. Allele origin: germline.
Comment: This variant is classified as likely benign based on ACMG/AMP sequence variant interpretation guidelines (Richards et al. 2015 PMID: 25741868, with internal and published modifications).

Labcorp Genetics (formerly Invitae), Labcorp
Classification: Likely benign. Last evaluated: 2024-06-11. Review status: criteria provided, single submitter. Criteria: Invitae Variant Classification Sherloc (09022015). Collection method: clinical testing. Allele origin: germline.

NM_018685.5(ANLN):c.1097-9T>G

Gene: ANLN (anillin, actin binding protein; plus strand). Cytogenetic location: 7p14.2.
Variant type: single nucleotide variant.
Coding change: c.1097-9T>G on transcript NM_018685.5 (MANE Select); 9 bases into the intron before coding-DNA position 1097, T replaced by G.
Molecular consequence: intron variant.
Genome position (GRCh38, 1-based): chr7:36,410,505, T>G. VCF-style: chr7-36410505-T-G. GRCh37 (hg19) VCF-style: chr7-36450114-T-G.
Other names: p.?; c.1097-9T>G (NM_018685.4, NM_001284301.3, NM_001284302.3).
Identifiers: ClinVar variation 1595819 (VCV001595819.10), dbSNP rs757959913, ClinGen allele CA4219509.